The following is an entry in ClinVar:

ClinVar aggregate classification (germline): Conflicting classifications of pathogenicity. Review status: criteria provided, conflicting classifications (1 of 4 stars). 3 submissions from 3 submitters: Uncertain significance (1); Likely benign (1). 1 of the submissions does not count toward it. Last evaluated 2024-08-13.

Conditions:
PGM3-related disorder. Also called: PGM3-related condition.
Immunodeficiency 23 (IMD23). Also called: IMMUNODEFICIENCY WITH HYPER IgE AND COGNITIVE IMPAIRMENT; IMMUNODEFICIENCY-VASCULITIS-MYOCLONUS SYNDROME. Identifiers: Orphanet 443811, MedGen C4014371, MONDO:0014353, OMIM 615816.

Allele frequency attached by ClinVar (database versions not stated): gnomAD exomes 0.00002; gnomAD 0.00003; TOPMed 0.00005; 1000 Genomes Project 0.00020; 1000 Genomes Project 30x 0.00031.
gnomAD v4.1: 14 of 1,484,962 alleles (0.00094%); highest among the groups gnomAD compares: Admixed American, 0.0051%; no homozygotes.

Submissions (3):

Blueprint Genetics
Classification: Likely benign. Last evaluated: 2024-08-13. Review status: criteria provided, single submitter. Criteria: ACMG Guidelines, 2015. Collection method: clinical testing. Allele origin: germline.

Labcorp Genetics (formerly Invitae), Labcorp
Classification: Uncertain significance for Immunodeficiency 23. Last evaluated: 2022-07-27. Review status: criteria provided, single submitter. Criteria: Invitae Variant Classification Sherloc (09022015). Collection method: clinical testing. Allele origin: germline.
Comment: This sequence change falls in intron 11 of the PGM3 gene. It does not directly change the encoded amino acid sequence of the PGM3 protein. It affects a nucleotide within the consensus splice site. This variant is present in population databases (rs201135600, gnomAD 0.006%). This variant has not been reported in the literature in individuals affected with PGM3-related conditions. ClinVar contains an entry for this variant (Variation ID: 1429934). Variants that disrupt the consensus splice site are a relatively common cause of aberrant splicing (PMID: 17576681, 9536098). Algorithms developed to predict the effect of sequence changes on RNA splicing suggest that this variant may disrupt the consensus splice site. In summary, the available evidence is currently insufficient to determine the role of this variant in disease. Therefore, it has been classified as a Variant of Uncertain Significance.

PreventionGenetics, part of Exact Sciences
Classification: Likely benign for PGM3-related condition. Last evaluated: 2020-07-28. Review status: no assertion criteria provided. Collection method: clinical testing. Allele origin: germline. Not counted in ClinVar's aggregate classification.
Comment: This variant is classified as likely benign based on ACMG/AMP sequence variant interpretation guidelines (Richards et al. 2015 PMID: 25741868, with internal and published modifications).

Literature cited by the submitters: PubMed 17576681 (cited by Labcorp Genetics (formerly Invitae), Labcorp); PubMed 9536098 (cited by Labcorp Genetics (formerly Invitae), Labcorp).

NM_015599.3(PGM3):c.1242+3C>T

Gene: PGM3 (phosphoglucomutase 3; minus strand). Cytogenetic location: 6q14.1.
Variant type: single nucleotide variant.
Coding change: c.1242+3C>T on transcript NM_015599.3 (MANE Select); 3 bases into the intron after coding-DNA position 1242, C replaced by T.
Molecular consequence: intron variant.
Genome position (GRCh38, 1-based): chr6:83,174,371, G>A on the plus strand (C>T on the coding strand, the complement: PGM3 is on the minus strand). VCF-style: chr6-83174371-G-A. GRCh37 (hg19) VCF-style: chr6-83884090-G-A.
Other names: c.1326+3C>T (NM_001199917.1, NM_001199917.2, NM_001367287.1); c.999+3C>T (NM_001199918.2); c.1242+3C>T (NM_001367286.1, NM_001199919.2).
Identifiers: ClinVar variation 1429934 (VCV001429934.6), dbSNP rs201135600, ClinGen allele CA141945741.